The following is an entry in ClinVar:

ClinVar aggregate classification (germline): Benign/Likely benign. Review status: criteria provided, multiple submitters, no conflicts (2 of 4 stars). 4 submissions from 4 submitters: Benign (1); Likely benign (3). Last evaluated 2025-09-27.

Conditions:
Juvenile polyposis syndrome (JPS). Identifiers: Orphanet 2929, MedGen C0345893, MONDO:0017380, OMIM 174900.
Familial thoracic aortic aneurysm and aortic dissection (TAAD). Also called: Thoracic aortic aneurysms and dissections. Identifiers: Orphanet 91387, MedGen C4707243, MONDO:0019625.
Hereditary cancer-predisposing syndrome. Also called: Neoplastic Syndromes, Hereditary; Tumor predisposition; Hereditary neoplastic syndrome; Hereditary Cancer Syndrome. Identifiers: Orphanet 140162, MedGen C0027672, MeSH D009386, MONDO:0015356.
Juvenile polyposis/hereditary hemorrhagic telangiectasia syndrome (JPHT). Also called: JP/HHT SYNDROME; JUVENILE POLYPOSIS WITH HEREDITARY HEMORRHAGIC TELANGIECTASIA; POLYPOSIS, GENERALIZED JUVENILE, WITH PULMONARY ARTERIOVENOUS MALFORMATION; TELANGIECTASIA, HEREDITARY HEMORRHAGIC, WITH JUVENILE POLYPOSIS COLI; Juvenile Polyposis Syndrome / Hereditary Hemorrhagic Telangiectasia (JPS/HHT). Identifiers: Orphanet 2929, MedGen C1832942, MONDO:0008278, OMIM 175050.

Allele frequency attached by ClinVar (database versions not stated): gnomAD exomes below 0.00001 and 0.00001; ExAC 0.00001.
gnomAD v4.1: 4 of 1,612,744 alleles (0.00025%); highest among the groups gnomAD compares: Admixed American, 0.0017%; no homozygotes.

Submissions (4):

Labcorp Genetics (formerly Invitae), Labcorp
Classification: Likely benign for Juvenile polyposis syndrome. Last evaluated: 2025-09-27. Review status: criteria provided, single submitter. Criteria: Invitae Variant Classification Sherloc (09022015). Collection method: clinical testing. Allele origin: germline.

Myriad Genetics, Inc.
Classification: Benign for Juvenile polyposis/hereditary hemorrhagic telangiectasia syndrome. Last evaluated: 2025-03-19. Review status: criteria provided, single submitter. Criteria: Myriad Autosomal Dominant, Autosomal Recessive and X-Linked Classification Criteria (2023). Collection method: clinical testing. Allele origin: unknown.
Comment: This variant is considered benign. This variant is a silent/synonymous amino acid change and it is not expected to impact splicing.

All of Us Research Program, National Institutes of Health
Classification: Likely benign for Juvenile polyposis/hereditary hemorrhagic telangiectasia syndrome. Last evaluated: 2023-10-02. Review status: criteria provided, single submitter. Criteria: ACMG Guidelines, 2015. Collection method: clinical testing. Allele origin: germline. Inheritance: Autosomal dominant inheritance. Observed: 1 variant allele, 1 heterozygote.
Comment: This study involves interpretation of variants in research participants for the purpose of population health screening. Participant phenotype was not available at the time of variant classification. Additional details can be found in publication PMID: 35346344, PMCID: PMC8962531

Ambry Genetics
Classification: Likely benign for Hereditary cancer-predisposing syndrome; Familial thoracic aortic aneurysm and aortic dissection. Last evaluated: 2019-08-11. Review status: criteria provided, single submitter. Criteria: Ambry Variant Classification Scheme 2023. Collection method: clinical testing. Allele origin: germline.

NM_005359.6(SMAD4):c.474G>A (p.Val158=)

Gene: SMAD4 (SMAD family member 4; plus strand). Cytogenetic location: 18q21.2.
Variant type: single nucleotide variant.
Coding change: c.474G>A on transcript NM_005359.6 (MANE Select); coding-DNA position 474, G replaced by A.
Protein change: p.Val158=; no amino-acid change (valine 158 retained).
Molecular consequence: synonymous variant.
Genome position (GRCh38, 1-based): chr18:51,054,800, G>A. VCF-style: chr18-51054800-G-A. GRCh37 (hg19) VCF-style: chr18-48581170-G-A.
Identifiers: ClinVar variation 185721 (VCV000185721.16), dbSNP rs749594930, ClinGen allele CA192722.